The following is an entry in ClinVar:

NM_000179.3(MSH6):c.1228A>G (p.Met410Val)

Gene: MSH6 (mutS homolog 6; plus strand). Cytogenetic location: 2p16.3.
Variant type: single nucleotide variant.
Coding change: c.1228A>G on transcript NM_000179.3 (MANE Select); coding-DNA position 1228, A replaced by G.
Protein change: p.Met410Val; replaces methionine 410 with valine.
Molecular consequence: missense variant.
Genome position (GRCh38, 1-based): chr2:47,799,211, A>G. VCF-style: chr2-47799211-A-G. GRCh37 (hg19) VCF-style: chr2-48026350-A-G.
Other names: c.838A>G, p.Met280Val (NM_001281492.2); c.322A>G, p.Met108Val (NM_001281493.2, NM_001281494.2, NM_001406811.1 and 6 more transcripts); c.1324A>G, p.Met442Val (NM_001406795.1, NM_001406802.1); c.1228A>G, p.Met410Val (NM_001406796.1, NM_001406798.1, NM_001406800.1 and 4 more transcripts); c.931A>G, p.Met311Val (NM_001406797.1, NM_001406801.1, NM_001406805.1 and 10 more transcripts); c.703A>G, p.Met235Val (NM_001406799.1, NM_001406806.1, NM_001406807.1); c.1150A>G, p.Met384Val (NM_001406804.1); c.1234A>G, p.Met412Val (NM_001406813.1); and 1 more; short protein forms M412V, M235V, M280V, M442V, M354V, M108V, M311V, M384V.
Identifiers: ClinVar variation 2068281 (VCV002068281.5), dbSNP rs2104329560, ClinGen allele CA346743624.

ClinVar aggregate classification (germline): Uncertain significance. Review status: criteria provided, multiple submitters, no conflicts (2 of 4 stars). 2 submissions from 2 submitters: Uncertain significance (2). Last evaluated 2025-10-23.

Conditions:
Hereditary nonpolyposis colorectal neoplasms. Identifiers: MedGen C0009405, MeSH D003123.
Hereditary cancer-predisposing syndrome. Also called: Neoplastic Syndromes, Hereditary; Hereditary Cancer Syndrome; Tumor predisposition; Hereditary neoplastic syndrome. Identifiers: Orphanet 140162, MedGen C0027672, MeSH D009386, MONDO:0015356.

Submissions (2):

Ambry Genetics
Classification: Uncertain significance for Hereditary cancer-predisposing syndrome. Last evaluated: 2025-10-23. Review status: criteria provided, single submitter. Criteria: Ambry Variant Classification Scheme 2023. Collection method: clinical testing. Allele origin: germline.
Comment: The p.M410V variant (also known as c.1228A>G), located in coding exon 4 of the MSH6 gene, results from an A to G substitution at nucleotide position 1228. The methionine at codon 410 is replaced by valine, an amino acid with highly similar properties. This amino acid position is conserved. In addition, the in silico prediction for this alteration is inconclusive. Based on the available evidence, the clinical significance of this variant remains unclear.

Labcorp Genetics (formerly Invitae), Labcorp
Classification: Uncertain significance for Hereditary nonpolyposis colorectal neoplasms. Last evaluated: 2022-01-01. Review status: criteria provided, single submitter. Criteria: Invitae Variant Classification Sherloc (09022015). Collection method: clinical testing. Allele origin: germline.
Comment: Advanced modeling of protein sequence and biophysical properties (such as structural, functional, and spatial information, amino acid conservation, physicochemical variation, residue mobility, and thermodynamic stability) performed at Invitae indicates that this missense variant is not expected to disrupt MSH6 protein function. This variant has not been reported in the literature in individuals affected with MSH6-related conditions. This variant is not present in population databases (gnomAD no frequency). This sequence change replaces methionine, which is neutral and non-polar, with valine, which is neutral and non-polar, at codon 410 of the MSH6 protein (p.Met410Val). Algorithms developed to predict the effect of sequence changes on RNA splicing suggest that this variant may create or strengthen a splice site. In summary, the available evidence is currently insufficient to determine the role of this variant in disease. Therefore, it has been classified as a Variant of Uncertain Significance.